The following is an entry in ClinVar:

ClinVar aggregate classification (germline): Conflicting classifications of pathogenicity. Review status: criteria provided, conflicting classifications (1 of 4 stars). 3 submissions from 2 submitters: Uncertain significance (1); Benign (1); Likely benign (1). Last evaluated 2021-05-11.

Conditions:
Migraine, familial hemiplegic, 2. Identifiers: Orphanet 569, MedGen C1865322, MONDO:0011232, OMIM 602481.
Alternating hemiplegia of childhood 1 (AHC1). Identifiers: Orphanet 2131, MedGen C3549447, MONDO:0007087, OMIM 104290.

Allele frequency attached by ClinVar (database versions not stated): 1000 Genomes Project 30x 0.00078; 1000 Genomes Project 0.00140; TOPMed 0.00293; gnomAD 0.00339 and 0.00347.

Submissions (3):

GeneDx
Classification: Likely benign. Last evaluated: 2021-05-11. Review status: criteria provided, single submitter. Criteria: GeneDx Variant Classification Process June 2021. Collection method: clinical testing. Allele origin: germline. Affected: yes.

Illumina Laboratory Services, Illumina
Classification: Uncertain significance for Migraine, familial hemiplegic, 2. Last evaluated: 2018-01-13. Review status: criteria provided, single submitter. Criteria: ICSL Variant Classification Criteria 13 December 2019. Collection method: clinical testing. Allele origin: germline.

Illumina Laboratory Services, Illumina
Classification: Benign for Alternating hemiplegia of childhood 1. Last evaluated: 2018-01-13. Review status: criteria provided, single submitter. Criteria: ICSL Variant Classification Criteria 13 December 2019. Collection method: clinical testing. Allele origin: germline.
Comment: This variant was observed in the ICSL laboratory as part of a predisposition screen in an ostensibly healthy population. It had not been previously curated by ICSL or reported in the Human Gene Mutation Database (HGMD: prior to June 1st, 2018), and was therefore a candidate for classification through an automated scoring system. Utilizing variant allele frequency, disease prevalence and penetrance estimates, and inheritance mode, an automated score was calculated to assess if this variant is too frequent to cause the disease. Based on the score and internal cut-off values, a variant classified as benign is not then subjected to further curation. The score for this variant resulted in a classification of benign for this disease.

NM_000702.4(ATP1A2):c.*932T>C

Gene: ATP1A2 (ATPase Na+/K+ transporting subunit alpha 2; plus strand). Cytogenetic location: 1q23.2.
Variant type: single nucleotide variant.
Coding change: c.*932T>C on transcript NM_000702.4 (MANE Select); 932 bases downstream of the stop codon, T replaced by C.
Molecular consequence: 3 prime UTR variant.
Genome position (GRCh38, 1-based): chr1:160,142,254, T>C. VCF-style: chr1-160142254-T-C. GRCh37 (hg19) VCF-style: chr1-160112044-T-C.
Identifiers: ClinVar variation 293157 (VCV000293157.6), dbSNP rs183455719, ClinGen allele CA10608099.